The following is an entry in ClinVar:

ClinVar aggregate classification (germline): Uncertain significance (1 of 4 stars; one submission).

Conditions:
Hereditary pheochromocytoma and paraganglioma. Also called: Hereditary Paraganglioma-Pheochromocytoma Syndromes; Hereditary paragangliomas and pheochromocytomas; Hereditary pheochromocytoma-paraganglioma. Identifiers: Orphanet 29072, MedGen C4274332, MONDO:0017366.

Submission:

Color Diagnostics, LLC DBA Color Health
Classification: Uncertain significance for Hereditary pheochromocytoma and paraganglioma. Last evaluated: 2025-07-11. Review status: criteria provided, single submitter. Criteria: ACMG Guidelines, 2015. Collection method: clinical testing. Allele origin: germline.
Comment: This missense variant replaces alanine with valine at codon 15 of the SDHB protein. Computational prediction suggests that this variant may not impact protein structure and function. To our knowledge, functional studies have not been reported for this variant. This variant has not been reported in individuals affected with SDHB-related disorders in the literature. This variant has not been identified in the general population by the Genome Aggregation Database (gnomAD). The available evidence is insufficient to determine the role of this variant in disease conclusively. Therefore, this variant is classified as a Variant of Uncertain Significance.

NM_003000.3(SDHB):c.44C>T (p.Ala15Val)

Gene: SDHB (succinate dehydrogenase complex iron sulfur subunit B; minus strand). Cytogenetic location: 1p36.13.
Variant type: single nucleotide variant.
Coding change: c.44C>T on transcript NM_003000.3 (MANE Select); coding-DNA position 44, C replaced by T.
Protein change: p.Ala15Val; replaces alanine 15 with valine.
Molecular consequence: missense variant.
Genome position (GRCh38, 1-based): chr1:17,053,976, G>A on the plus strand (C>T on the coding strand, the complement: SDHB is on the minus strand). VCF-style: chr1-17053976-G-A. GRCh37 (hg19) VCF-style: chr1-17380471-G-A.
Other names: c.44C>T, p.Ala15Val (NM_001407361.1); short protein forms A15V.
Identifiers: ClinVar variation 4758764 (VCV004758764.1).